The following is an entry in ClinVar:

NM_000326.5(RLBP1):c.*242A>C

Gene: RLBP1 (retinaldehyde binding protein 1; minus strand). Cytogenetic location: 15q26.1.
Variant type: single nucleotide variant.
Coding change: c.*242A>C on transcript NM_000326.5 (MANE Select); 242 bases downstream of the stop codon, A replaced by C.
Molecular consequence: 3 prime UTR variant.
Genome position (GRCh38, 1-based): chr15:89,210,043, T>G on the plus strand (A>C on the coding strand, the complement: RLBP1 is on the minus strand). VCF-style: chr15-89210043-T-G. GRCh37 (hg19) VCF-style: chr15-89753274-T-G.
Identifiers: ClinVar variation 317229 (VCV000317229.8), dbSNP rs8025719, ClinGen allele CA10647443.
Genomic context (GRCh38, chr15:89,210,043, plus strand): 5'-AAATGACTGAGAAAATGAATTCGAGTCTTTGAAATACAACCTTACACAAAAATCACTGTC[T>G]TAAAGCTTCAAGGGCAGGTGGAAATATAACTATCCCCAGTTCTTCTTGTTCAAGGGAATT-3'

ClinVar aggregate classification (germline): Benign/Likely benign. Review status: criteria provided, multiple submitters, no conflicts (2 of 4 stars). 5 submissions from 3 submitters: Benign (3); Likely benign (2). Last evaluated 2021-05-25.

Conditions:
Newfoundland cone-rod dystrophy. Identifiers: MedGen C1843815, MONDO:0011839, OMIM 607476.
Retinitis pigmentosa (RP). Identifiers: Orphanet 791, MedGen C0035334, MeSH D012174, MONDO:0019200, OMIM 268000. Inheritance: Autosomal dominant, autosomal recessive and X linked inheritance.
Pigmentary retinal dystrophy. Also called: Fundus albipunctatus. Identifiers: Orphanet 227796, Orphanet 52427, MedGen C0311338, MONDO:0007639, OMIM 136880, HP:0030642.

Allele frequency attached by ClinVar (database versions not stated): gnomAD exomes 0.00287; 1000 Genomes Project 0.02236; 1000 Genomes Project 30x 0.02405; gnomAD 0.02430 and 0.02630; TOPMed 0.02724.

Submissions (5):

GeneDx
Classification: Benign. Last evaluated: 2021-05-25. Review status: criteria provided, single submitter. Criteria: GeneDx Variant Classification Process June 2021. Collection method: clinical testing. Allele origin: germline. Affected: yes.

Illumina Laboratory Services, Illumina
Classification: Likely benign for Retinitis pigmentosa. Last evaluated: 2018-01-12. Review status: criteria provided, single submitter. Criteria: ICSL Variant Classification Criteria 13 December 2019. Collection method: clinical testing. Allele origin: germline.
Comment: This variant was observed in the ICSL laboratory as part of a predisposition screen in an ostensibly healthy population. It had not been previously curated by ICSL or reported in the Human Gene Mutation Database (HGMD: prior to June 1st, 2018), and was therefore a candidate for classification through an automated scoring system. Utilizing variant allele frequency, disease prevalence and penetrance estimates, and inheritance mode, an automated score was calculated to assess if this variant is too frequent to cause the disease. Based on the score and internal cut-off values, a variant classified as likely benign is not then subjected to further curation. The score for this variant resulted in a classification of likely benign for this disease.

Illumina Laboratory Services, Illumina
Classification: Benign for Newfoundland cone-rod dystrophy. Last evaluated: 2018-01-12. Review status: criteria provided, single submitter. Criteria: ICSL Variant Classification Criteria 13 December 2019. Collection method: clinical testing. Allele origin: germline.
Comment: This variant was observed in the ICSL laboratory as part of a predisposition screen in an ostensibly healthy population. It had not been previously curated by ICSL or reported in the Human Gene Mutation Database (HGMD: prior to June 1st, 2018), and was therefore a candidate for classification through an automated scoring system. Utilizing variant allele frequency, disease prevalence and penetrance estimates, and inheritance mode, an automated score was calculated to assess if this variant is too frequent to cause the disease. Based on the score and internal cut-off values, a variant classified as benign is not then subjected to further curation. The score for this variant resulted in a classification of benign for this disease.

Illumina Laboratory Services, Illumina
Classification: Benign for Pigmentary retinal dystrophy. Last evaluated: 2018-01-12. Review status: criteria provided, single submitter. Criteria: ICSL Variant Classification Criteria 13 December 2019. Collection method: clinical testing. Allele origin: germline.
Comment: the same text as in the submission from Illumina Laboratory Services, Illumina above.

Breakthrough Genomics
Classification: Likely benign. Review status: criteria provided, single submitter. Criteria: ACMG Guidelines, 2015. Collection method: not provided. Allele origin: germline. Inheritance: Autosomal recessive inheritance. Affected: yes.